The following is an entry in ClinVar:

ClinVar aggregate classification (germline): Uncertain significance (1 of 4 stars; one submission).

Submission:

GeneDx
Classification: Uncertain significance. Last evaluated: 2022-03-30. Review status: criteria provided, single submitter. Criteria: GeneDx Variant Classification Process June 2021. Collection method: clinical testing. Allele origin: germline. Affected: yes.
Comment: Not observed at significant frequency in large population cohorts (gnomAD); In silico analysis supports that this missense variant has a deleterious effect on protein structure/function; Has not been previously published as pathogenic or benign to our knowledge

NM_001393769.1(MED12L):c.6035C>T (p.Ser2012Phe)

Gene: MED12L (mediator complex subunit 12L; plus strand). Cytogenetic location: 3q25.1.
Variant type: single nucleotide variant.
Coding change: c.6035C>T on transcript NM_001393769.1 (MANE Select); coding-DNA position 6035, C replaced by T.
Protein change: p.Ser2012Phe; replaces serine 2012 with phenylalanine.
Molecular consequence: missense variant.
Genome position (GRCh38, 1-based): chr3:151,411,402, C>T. VCF-style: chr3-151411402-C-T. GRCh37 (hg19) VCF-style: chr3-151129190-C-T.
Other names: c.5930C>T, p.Ser1977Phe (NM_053002.6); short protein forms S1977F, S2012F.
Identifiers: ClinVar variation 1707741 (VCV001707741.2), dbSNP rs2474209571, ClinGen allele CA354981688.